The following is an entry in ClinVar:

NM_207111.4(RNF216):c.2316A>G (p.Gln772=)

Gene: RNF216 (ring finger protein 216; minus strand). Cytogenetic location: 7p22.1.
Variant type: single nucleotide variant.
Coding change: c.2316A>G on transcript NM_207111.4 (MANE Select); coding-DNA position 2316, A replaced by G.
Protein change: p.Gln772=; no amino-acid change (glutamine 772 retained).
Molecular consequence: synonymous variant.
Genome position (GRCh38, 1-based): chr7:5,641,220, T>C on the plus strand (A>G on the coding strand, the complement: RNF216 is on the minus strand). VCF-style: chr7-5641220-T-C. GRCh37 (hg19) VCF-style: chr7-5680851-T-C.
Other names: p.Gln772=; c.2145A>G, p.Gln715= (NM_001377156.1, NM_207116.3).
Identifiers: ClinVar variation 2419863 (VCV002419863.32), dbSNP rs141635295, ClinGen allele CA4147851.
Genomic context (GRCh38, chr7:5,641,220, plus strand): 5'-ATCGGTCCAGAGAGAGCATCTTGAACACTCCTGGCAAGGGGCTCCTGGTGAGCGGGGATG[T>C]TGGCAGAAATGGTCATATCCATTAATAGAAACTCGACAGAGGTAGCACATCTGGGCACCA-3'
Protein context (NP_996994.1, residues 762-782): VSINGYDHFC[Gln772=]HPRSPGAPCQ

ClinVar aggregate classification (germline): Likely benign. Review status: criteria provided, multiple submitters, no conflicts (2 of 4 stars). 3 submissions from 3 submitters: Likely benign (3). Last evaluated 2026-08-01.

Allele frequency attached by ClinVar (database versions not stated): ExAC 0.00011; TOPMed 0.00012; gnomAD 0.00014; ESP Exome Variant Server 0.00015; gnomAD exomes 0.00028.
gnomAD v4.1: 413 of 1,614,076 alleles (0.026%); highest among the groups gnomAD compares: Non-Finnish European, 0.034%; 2 homozygotes.

Submissions (3):

CeGaT Center for Human Genetics Tuebingen
Classification: Likely benign. Last evaluated: 2026-08-01. Review status: criteria provided, single submitter. Criteria: CeGaT Center For Human Genetics Tuebingen Variant Classification Criteria Version 2. Collection method: clinical testing. Allele origin: germline. Affected: yes. Observed: 2 variant alleles.
Comment: RNF216: BP4, BP7

Labcorp Genetics (formerly Invitae), Labcorp
Classification: Likely benign. Last evaluated: 2026-01-05. Review status: criteria provided, single submitter. Criteria: Invitae Variant Classification Sherloc (09022015). Collection method: clinical testing. Allele origin: germline.

Mayo Clinic Laboratories, Mayo Clinic
Classification: Likely benign. Last evaluated: 2025-08-07. Review status: criteria provided, single submitter. Criteria: ACMG Guidelines, 2015. Collection method: clinical testing. Allele origin: germline. Observed: 2 variant alleles.
Comment: BP4, BP7